The following is an entry in ClinVar:

ClinVar aggregate classification (germline): Uncertain significance. Review status: criteria provided, multiple submitters, no conflicts (2 of 4 stars). 2 submissions from 2 submitters: Uncertain significance (2). Last evaluated 2025-09-03.

Conditions:
Pheochromocytoma/paraganglioma syndrome 4. Also called: SDHB-Related Hereditary Paraganglioma-Pheochromocytoma Syndrome (Paragangliomas 4); SDHB-Related Hereditary Paraganglioma-Pheochromocytoma Syndrome; CAROTID BODY TUMORS AND MULTIPLE EXTRAADRENAL PHEOCHROMOCYTOMAS; PARAGANGLIOMA, FAMILIAL MALIGNANT; PARAGANGLIOMAS, HEREDITARY EXTRAADRENAL; PHEOCHROMOCYTOMA, FAMILIAL EXTRAADRENAL. Identifiers: Orphanet 29072, MedGen C1861848, MONDO:0007273, OMIM 115310.
Pheochromocytoma. Also called: MAX-Related Hereditary Paraganglioma-Pheochromocytoma Syndrome. Identifiers: Orphanet 29072, MedGen C0031511, MONDO:0008233, OMIM 171300, HP:0002666.
Gastrointestinal stromal tumor. Also called: Gastrointestinal stromal tumor, somatic; Gastrointestinal stroma tumor. Identifiers: Orphanet 44890, MedGen C0238198, MeSH D046152, MONDO:0011719, OMIM 606764, HP:0100723.
Hereditary cancer-predisposing syndrome. Also called: Neoplastic Syndromes, Hereditary; Tumor predisposition; Hereditary Cancer Syndrome; Hereditary neoplastic syndrome. Identifiers: Orphanet 140162, MedGen C0027672, MeSH D009386, MONDO:0015356.

Submissions (2):

Labcorp Genetics (formerly Invitae), Labcorp
Classification: Uncertain significance for Gastrointestinal stromal tumor; Pheochromocytoma/paraganglioma syndrome 4; Pheochromocytoma. Last evaluated: 2025-09-03. Review status: criteria provided, single submitter. Criteria: Invitae Variant Classification Sherloc (09022015). Collection method: clinical testing. Allele origin: germline.
Comment: This sequence change replaces lysine, which is basic and polar, with glutamic acid, which is acidic and polar, at codon 255 of the SDHB protein (p.Lys255Glu). This variant is not present in population databases (gnomAD no frequency). This missense change has been observed in individual(s) with paraganglioma (PMID: 19454582, 34906457). ClinVar contains an entry for this variant (Variation ID: 656886). An algorithm developed to predict the effect of missense changes on protein structure and function (PolyPhen-2) suggests that this variant is likely to be disruptive. In summary, the available evidence is currently insufficient to determine the role of this variant in disease. Therefore, it has been classified as a Variant of Uncertain Significance.

Ambry Genetics
Classification: Uncertain significance for Hereditary cancer-predisposing syndrome. Last evaluated: 2023-12-26. Review status: criteria provided, single submitter. Criteria: Ambry Variant Classification Scheme 2023. Collection method: clinical testing. Allele origin: germline.
Comment: The p.K255E variant (also known as c.763A>G), located in coding exon 7 of the SDHB gene, results from an A to G substitution at nucleotide position 763. The lysine at codon 255 is replaced by glutamic acid, an amino acid with similar properties. This variant has been reported in paraganglioma/pheochromocytoma cohorts (Burnichon N et al. J Clin Endocrinol Metab, 2009 Aug;94:2817-27; Garrett A et al. Genet Med, 2022 Jan;24:41-50). This amino acid position is highly conserved in available vertebrate species. In addition, this alteration is predicted to be deleterious by in silico analysis. Since supporting evidence is limited at this time, the clinical significance of this alteration remains unclear.

Literature cited by the submitters: PubMed 19454582 (cited by Labcorp Genetics (formerly Invitae), Labcorp and Ambry Genetics); PubMed 34906457 (cited by Labcorp Genetics (formerly Invitae), Labcorp and Ambry Genetics).

NM_003000.3(SDHB):c.763A>G (p.Lys255Glu)

Gene: SDHB (succinate dehydrogenase complex iron sulfur subunit B; minus strand). Cytogenetic location: 1p36.13.
Variant type: single nucleotide variant.
Coding change: c.763A>G on transcript NM_003000.3 (MANE Select); coding-DNA position 763, A replaced by G.
Protein change: p.Lys255Glu; replaces lysine 255 with glutamic acid.
Molecular consequence: missense variant.
Genome position (GRCh38, 1-based): chr1:17,022,610, T>C on the plus strand (A>G on the coding strand, the complement: SDHB is on the minus strand). VCF-style: chr1-17022610-T-C. GRCh37 (hg19) VCF-style: chr1-17349105-T-C.
Other names: short protein forms K255E.
Identifiers: ClinVar variation 656886 (VCV000656886.7), dbSNP rs1570944737, ClinGen allele CA338269961.